The following is an entry in ClinVar:

NM_001357.5(DHX9):c.2684A>G (p.Asn895Ser)

Gene: DHX9 (DExH-box helicase 9; plus strand). Cytogenetic location: 1q25.3.
Variant type: single nucleotide variant.
Coding change: c.2684A>G on transcript NM_001357.5 (MANE Select); coding-DNA position 2684, A replaced by G.
Protein change: p.Asn895Ser; replaces asparagine 895 with serine.
Molecular consequence: missense variant. On other transcripts: non-coding transcript variant (1).
Genome position (GRCh38, 1-based): chr1:182,881,323, A>G. VCF-style: chr1-182881323-A-G. GRCh37 (hg19) VCF-style: chr1-182850458-A-G.
Other names: short protein forms N895S.
Identifiers: ClinVar variation 4084919 (VCV004084919.8).

ClinVar aggregate classification (germline): Uncertain significance (1 of 4 stars; one submission).

gnomAD v4.1: 28 of 1,614,174 alleles (0.0017%); highest among the groups gnomAD compares: Middle Eastern, 0.016%; no homozygotes.

Submission:

CeGaT Center for Human Genetics Tuebingen
Classification: Uncertain significance. Last evaluated: 2026-01-01. Review status: criteria provided, single submitter. Criteria: CeGaT Center For Human Genetics Tuebingen Variant Classification Criteria Version 2. Collection method: clinical testing. Allele origin: germline. Affected: yes. Observed: 2 variant alleles.
Comment: DHX9: PP2, BP4